The following is an entry in ClinVar:

NM_000466.3(PEX1):c.952G>A (p.Asp318Asn)

Gene: PEX1 (peroxisomal biogenesis factor 1; minus strand). Cytogenetic location: 7q21.2.
Variant type: single nucleotide variant.
Coding change: c.952G>A on transcript NM_000466.3 (MANE Select); coding-DNA position 952, G replaced by A.
Protein change: p.Asp318Asn; replaces aspartic acid 318 with asparagine.
Molecular consequence: missense variant.
Genome position (GRCh38, 1-based): chr7:92,517,563, C>T on the plus strand (G>A on the coding strand, the complement: PEX1 is on the minus strand). VCF-style: chr7-92517563-C-T. GRCh37 (hg19) VCF-style: chr7-92146877-C-T.
Other names: c.952G>A, p.Asp318Asn (NM_001282677.2); c.328G>A, p.Asp110Asn (NM_001282678.2); short protein forms D318N, D110N.
Identifiers: ClinVar variation 911637 (VCV000911637.11), dbSNP rs754893068, ClinGen allele CA4341512.
Genomic context (GRCh38, chr7:92,517,563, plus strand): 5'-GCTTAACTAGCTTTCCATATGTCACAGTAAAGCTGGGCTCTACATCAAAATATTCCTGGT[C>T]CCATGGAAATACATGAATGGCACAGTGTTTATGAAAAACAGAGGTTGCTGACGCGTTATA-3'
Protein context (NP_000457.1, residues 308-328): KHCAIHVFPW[Asp318Asn]QEYFDVEPSF

ClinVar aggregate classification (germline): Uncertain significance. Review status: criteria provided, multiple submitters, no conflicts (2 of 4 stars). 5 submissions from 5 submitters: Uncertain significance (5). Last evaluated 2026-09-15.

Conditions:
Inborn genetic diseases. Identifiers: MedGen C0950123, MeSH D030342.
PEX1-related disorder. Also called: PEX1-related condition.
Zellweger spectrum disorders (ZS). Also called: Zellweger Spectrum Disorder; Zellweger Spectrum; Zellweger syndrome; Zellweger Spectrum Disorder (ZSD). Identifiers: Orphanet 912, MedGen C0043459, MONDO:0019609.
Peroxisome biogenesis disorder 1A (Zellweger) (PBD1A). Also called: Peroxisome biogenesis disorder 1a; Zellweger leukodystrophy. Identifiers: MedGen C4721541, MONDO:0008953, OMIM 214100.

Allele frequency attached by ClinVar (database versions not stated): ExAC 0.00002; gnomAD exomes 0.00003 and 0.00004; TOPMed 0.00003; gnomAD 0.00004.
gnomAD v4.1: 67 of 1,613,790 alleles (0.0042%); highest among the groups gnomAD compares: Non-Finnish European, 0.0055%; no homozygotes.

Submissions (5):

GeneDx
Classification: Uncertain significance. Last evaluated: 2026-09-15. Review status: criteria provided, single submitter. Criteria: GeneDx Variant Classification Process June 2021. Collection method: clinical testing. Allele origin: germline.
Comment: Not observed at significant frequency in large population cohorts (gnomAD); In silico analysis indicates that this missense variant does not alter protein structure/function; Has not been previously published as pathogenic or benign to our knowledge

PreventionGenetics, part of Exact Sciences
Classification: Uncertain significance for PEX1-related condition. Last evaluated: 2026-09-08. Review status: criteria provided, single submitter. Criteria: ACMG Guidelines, 2015. Collection method: clinical testing. Allele origin: germline.
Comment: The PEX1 c.952G>A variant is predicted to result in the amino acid substitution p.Asp318Asn. To our knowledge, this variant has not been reported in the literature. This variant is reported in 0.0062% of alleles in individuals of European (Non-Finnish) descent in gnomAD. At this time, the clinical significance of this variant is uncertain due to the absence of conclusive functional and genetic evidence.

Ambry Genetics
Classification: Uncertain significance for Inborn genetic diseases. Last evaluated: 2025-09-26. Review status: criteria provided, single submitter. Criteria: Ambry Variant Classification Scheme 2023. Collection method: clinical testing. Allele origin: germline.

Labcorp Genetics (formerly Invitae), Labcorp
Classification: Uncertain significance for Zellweger spectrum disorders. Last evaluated: 2024-11-21. Review status: criteria provided, single submitter. Criteria: Invitae Variant Classification Sherloc (09022015). Collection method: clinical testing. Allele origin: germline.
Comment: This sequence change replaces aspartic acid, which is acidic and polar, with asparagine, which is neutral and polar, at codon 318 of the PEX1 protein (p.Asp318Asn). This variant is present in population databases (rs754893068, gnomAD 0.006%). This variant has not been reported in the literature in individuals affected with PEX1-related conditions. ClinVar contains an entry for this variant (Variation ID: 911637). Invitae Evidence Modeling of protein sequence and biophysical properties (such as structural, functional, and spatial information, amino acid conservation, physicochemical variation, residue mobility, and thermodynamic stability) indicates that this missense variant is not expected to disrupt PEX1 protein function with a negative predictive value of 95%. In summary, the available evidence is currently insufficient to determine the role of this variant in disease. Therefore, it has been classified as a Variant of Uncertain Significance.

Illumina Laboratory Services, Illumina
Classification: Uncertain significance for Peroxisome biogenesis disorder 1A (Zellweger). Last evaluated: 2018-01-13. Review status: criteria provided, single submitter. Criteria: ICSL Variant Classification Criteria 13 December 2019. Collection method: clinical testing. Allele origin: germline.